The following is an entry in ClinVar:

NM_000455.5(STK11):c.-17A>G

Gene: STK11 (serine/threonine kinase 11; plus strand). Cytogenetic location: 19p13.3.
Variant type: single nucleotide variant.
Coding change: c.-17A>G on transcript NM_000455.5 (MANE Select); 17 bases upstream of the start codon, A replaced by G.
Molecular consequence: 5 prime UTR variant.
Genome position (GRCh38, 1-based): chr19:1,206,897, A>G. VCF-style: chr19-1206897-A-G. GRCh37 (hg19) VCF-style: chr19-1206896-A-G.
Identifiers: ClinVar variation 507127 (VCV000507127.1), dbSNP rs1555734829, ClinGen allele CA658799101.

ClinVar aggregate classification (germline): Likely benign (1 of 4 stars; one submission).

Submission:

GeneDx
Classification: Likely benign. Last evaluated: 2017-01-26. Review status: criteria provided, single submitter. Criteria: GeneDx Variant Classification (06012015). Collection method: clinical testing. Allele origin: germline. Affected: yes.
Comment: This variant is considered likely benign or benign based on one or more of the following criteria: it is a conservative change, it occurs at a poorly conserved position in the protein, it is predicted to be benign by multiple in silico algorithms, and/or has population frequency not consistent with disease.